The following is an entry in ClinVar:

NM_021942.6(TRAPPC11):c.3199C>T (p.Arg1067Cys)

Gene: TRAPPC11 (trafficking protein particle complex subunit 11; plus strand). Cytogenetic location: 4q35.1.
Variant type: single nucleotide variant.
Coding change: c.3199C>T on transcript NM_021942.6 (MANE Select); coding-DNA position 3199, C replaced by T.
Protein change: p.Arg1067Cys; replaces arginine 1067 with cysteine.
Molecular consequence: missense variant.
Genome position (GRCh38, 1-based): chr4:183,708,416, C>T. VCF-style: chr4-183708416-C-T. GRCh37 (hg19) VCF-style: chr4-184629569-C-T.
Other names: c.3199C>T, p.Pro1067Ser (NM_199053.3); short protein forms P1067S, R1067C.
Identifiers: ClinVar variation 1009722 (VCV001009722.8), dbSNP rs374734783, ClinGen allele CA3152473.
Genomic context (GRCh38, chr4:183,708,416, plus strand): 5'-TTGCACATATGTGTATTTGATTATCTTTCTCTGTGACTTTTTATGATGCAGATTCGATTA[C>T]GTATCCTCCCTGGCACGGAGCAGGAAATGCTATATAATTTCTATCCTCTGATGGCTGGAT-3'
Protein context (NP_068761.4, residues 1057-1077): MFSGLKQIRL[Arg1067Cys]ILPGTEQEML

ClinVar aggregate classification (germline): Uncertain significance (1 of 4 stars; one submission).

Conditions:
Autosomal recessive limb-girdle muscular dystrophy type R18 (LGMDR18). Also called: Limb-girdle muscular dystrophy, type 2S; Autosomal recessive limb-girdle muscular dystrophy type 2S; MUSCULAR DYSTROPHY, LIMB-GIRDLE, AUTOSOMAL RECESSIVE 18. Identifiers: Orphanet 369840, MedGen C4517996, MONDO:0014144, OMIM 615356.

Allele frequency attached by ClinVar (database versions not stated): gnomAD 0.00001; ExAC 0.00002; gnomAD exomes 0.00002; TOPMed 0.00003.
gnomAD v4.1: 19 of 1,612,468 alleles (0.0012%); highest among the groups gnomAD compares: East Asian, 0.0067%; no homozygotes.

Submission:

Labcorp Genetics (formerly Invitae), Labcorp
Classification: Uncertain significance for Autosomal recessive limb-girdle muscular dystrophy type R18. Last evaluated: 2022-08-18. Review status: criteria provided, single submitter. Criteria: Invitae Variant Classification Sherloc (09022015). Collection method: clinical testing. Allele origin: germline.
Comment: In summary, the available evidence is currently insufficient to determine the role of this variant in disease. Therefore, it has been classified as a Variant of Uncertain Significance. Algorithms developed to predict the effect of missense changes on protein structure and function are either unavailable or do not agree on the potential impact of this missense change (SIFT: "Deleterious"; PolyPhen-2: "Probably Damaging"; Align-GVGD: "Class C0"). ClinVar contains an entry for this variant (Variation ID: 1009722). This variant has not been reported in the literature in individuals affected with TRAPPC11-related conditions. This variant is present in population databases (rs374734783, gnomAD 0.01%). This sequence change replaces arginine, which is basic and polar, with cysteine, which is neutral and slightly polar, at codon 1067 of the TRAPPC11 protein (p.Arg1067Cys).